The following is an entry in ClinVar:

ClinVar aggregate classification (germline): Uncertain significance (1 of 4 stars; one submission).

Allele frequency attached by ClinVar (database versions not stated): gnomAD exomes below 0.00001 and 0.00002; TOPMed below 0.00001.
gnomAD v4.1: 7 of 1,454,120 alleles (0.00048%); highest among the groups gnomAD compares: East Asian, 0.012%; no homozygotes.

Submission:

Labcorp Genetics (formerly Invitae), Labcorp
Classification: Uncertain significance. Last evaluated: 2023-10-03. Review status: criteria provided, single submitter. Criteria: Invitae Variant Classification Sherloc (09022015). Collection method: clinical testing. Allele origin: germline.
Comment: This sequence change replaces proline, which is neutral and non-polar, with leucine, which is neutral and non-polar, at codon 22 of the ECHS1 protein (p.Pro22Leu). This variant is not present in population databases (gnomAD no frequency). This variant has not been reported in the literature in individuals affected with ECHS1-related conditions. ClinVar contains an entry for this variant (Variation ID: 1352310). Advanced modeling of protein sequence and biophysical properties (such as structural, functional, and spatial information, amino acid conservation, physicochemical variation, residue mobility, and thermodynamic stability) performed at Invitae indicates that this missense variant is not expected to disrupt ECHS1 protein function. In summary, the available evidence is currently insufficient to determine the role of this variant in disease. Therefore, it has been classified as a Variant of Uncertain Significance.

NM_004092.4(ECHS1):c.65C>T (p.Pro22Leu)

Genes: ECHS1 (enoyl-CoA hydratase, short chain 1; minus strand), LOC130005023 (ATAC-STARR-seq lymphoblastoid silent region 2977; plus strand). Cytogenetic location: 10q26.3.
Variant type: single nucleotide variant.
Coding change: c.65C>T on transcript NM_004092.4 (MANE Select); coding-DNA position 65, C replaced by T.
Protein change: p.Pro22Leu; replaces proline 22 with leucine.
Molecular consequence: missense variant.
Genome position (GRCh38, 1-based): chr10:133,373,269, G>A on the plus strand (C>T on the coding strand, the complement: ECHS1 is on the minus strand). VCF-style: chr10-133373269-G-A. GRCh37 (hg19) VCF-style: chr10-135186773-G-A.
Other names: short protein forms P22L.
Identifiers: ClinVar variation 1352310 (VCV001352310.7), dbSNP rs377287845, ClinGen allele CA216820881.